The following is an entry in ClinVar:

ClinVar aggregate classification (germline): Pathogenic (1 of 4 stars; one submission).

Allele frequency attached by ClinVar (database versions not stated): TOPMed below 0.00001.

Submission:

Labcorp Genetics (formerly Invitae), Labcorp
Classification: Pathogenic. Last evaluated: 2023-11-07. Review status: criteria provided, single submitter. Criteria: Invitae Variant Classification Sherloc (09022015). Collection method: clinical testing. Allele origin: germline.
Comment: This sequence change affects a donor splice site in intron 5 of the CYP11B1 gene. It is expected to disrupt RNA splicing. Variants that disrupt the donor or acceptor splice site typically lead to a loss of protein function (PMID: 16199547), and loss-of-function variants in CYP11B1 are known to be pathogenic (PMID: 8506298, 26476331). This variant is not present in population databases (gnomAD no frequency). Disruption of this splice site has been observed in individual(s) with congenital adrenal hyperplasia due to 11-beta-hydroxylase deficiency (PMID: 9435454, 17172090). In at least one individual the data is consistent with being in trans (on the opposite chromosome) from a pathogenic variant. This variant is also known as c.318+1G>A. ClinVar contains an entry for this variant (Variation ID: 1073770). Algorithms developed to predict the effect of sequence changes on RNA splicing suggest that this variant may disrupt the consensus splice site. For these reasons, this variant has been classified as Pathogenic.

Literature cited by the submitters: PubMed 16199547; PubMed 8506298; PubMed 26476331; PubMed 9435454; PubMed 17172090.

NM_000497.4(CYP11B1):c.954+1G>A

Genes: CYP11B1 (cytochrome P450 family 11 subfamily B member 1; minus strand), LOC106799833 (CYP11B1 recombination region; plus strand). Cytogenetic location: 8q24.3.
Variant type: single nucleotide variant.
Coding change: c.954+1G>A on transcript NM_000497.4 (MANE Select); the canonical splice donor site of the intron after coding-DNA position 954, G replaced by A.
Molecular consequence: splice donor variant.
Genome position (GRCh38, 1-based): chr8:142,876,240, C>T on the plus strand (G>A on the coding strand, the complement: CYP11B1 is on the minus strand). VCF-style: chr8-142876240-C-T. GRCh37 (hg19) VCF-style: chr8-143957656-C-T.
Other names: c.954+1G>A (NM_001026213.1).
Identifiers: ClinVar variation 1073770 (VCV001073770.9), dbSNP rs1816943902, ClinGen allele CA372395015.